The following is an entry in ClinVar:

NM_001267550.2(TTN):c.68931A>C (p.Pro22977=)

Genes: TTN (titin; minus strand), TTN-AS1 (TTN antisense RNA 1; plus strand). Cytogenetic location: 2q31.2.
Variant type: single nucleotide variant.
Coding change: c.68931A>C on transcript NM_001267550.2 (MANE Select); coding-DNA position 68931, A replaced by C.
Protein change: p.Pro22977=; no amino-acid change (proline 22977 retained).
Molecular consequence: synonymous variant.
Genome position (GRCh38, 1-based): chr2:178,577,404, T>G on the plus strand (A>C on the coding strand, the complement: TTN is on the minus strand). VCF-style: chr2-178577404-T-G. GRCh37 (hg19) VCF-style: chr2-179442131-T-G.
Other names: c.64008A>C, p.Pro21336= (NM_001256850.1); c.41736A>C, p.Pro13912= (NM_003319.4); c.61227A>C, p.Pro20409= (NM_133378.4); c.42111A>C, p.Pro14037= (NM_133432.3); c.42312A>C, p.Pro14104= (NM_133437.4).
Identifiers: ClinVar variation 3390061 (VCV003390061.14).

ClinVar aggregate classification (germline): Likely benign (1 of 4 stars; one submission).

gnomAD v4.1: 1 of 1,612,864 alleles (0.000062%); highest among the groups gnomAD compares: Non-Finnish European, 0.000085%; no homozygotes.

Submission:

CeGaT Center for Human Genetics Tuebingen
Classification: Likely benign. Last evaluated: 2024-11-01. Review status: criteria provided, single submitter. Criteria: CeGaT Center For Human Genetics Tuebingen Variant Classification Criteria Version 2. Collection method: clinical testing. Allele origin: germline. Affected: yes. Observed: 1 variant allele.
Comment: TTN: BP4, BP7